The following is an entry in ClinVar:

ClinVar aggregate classification (germline): Uncertain significance (1 of 4 stars; one submission).

Allele frequency attached by ClinVar (database versions not stated): gnomAD exomes below 0.00001.
gnomAD v4.1: 3 of 1,596,418 alleles (0.00019%); highest among the groups gnomAD compares: African/African-American, 0.0014%; no homozygotes.

Submission:

Ambry Genetics
Classification: Uncertain significance. Last evaluated: 2021-10-31. Review status: criteria provided, single submitter. Criteria: Ambry Variant Classification Scheme 2023. Collection method: clinical testing. Allele origin: germline.
Comment: The p.I633S variant (also known as c.1898T>G), located in coding exon 18 of the PRKDC gene, results from a T to G substitution at nucleotide position 1898. The isoleucine at codon 633 is replaced by serine, an amino acid with dissimilar properties. This amino acid position is conserved. In addition, the in silico prediction for this alteration is inconclusive. Since supporting evidence is limited at this time, the clinical significance of this alteration remains unclear.

NM_006904.7(PRKDC):c.1898T>G (p.Ile633Ser)

Gene: PRKDC (protein kinase, DNA-activated, catalytic subunit; minus strand). Cytogenetic location: 8q11.21.
Variant type: single nucleotide variant.
Coding change: c.1898T>G on transcript NM_006904.7 (MANE Select); coding-DNA position 1898, T replaced by G.
Protein change: p.Ile633Ser; replaces isoleucine 633 with serine.
Molecular consequence: missense variant.
Genome position (GRCh38, 1-based): chr8:47,930,007, A>C on the plus strand (T>G on the coding strand, the complement: PRKDC is on the minus strand). VCF-style: chr8-47930007-A-C. GRCh37 (hg19) VCF-style: chr8-48842567-A-C.
Other names: c.1898T>G, p.Ile633Ser (NM_001081640.2); short protein forms I633S.
Identifiers: ClinVar variation 1782207 (VCV001782207.2), dbSNP rs2551878651, ClinGen allele CA371164489.